The following is an entry in ClinVar:

ClinVar aggregate classification (germline): Uncertain significance (1 of 4 stars; one submission).

Conditions:
Hereditary cancer-predisposing syndrome. Also called: Neoplastic Syndromes, Hereditary; Tumor predisposition; Hereditary Cancer Syndrome; Hereditary neoplastic syndrome. Identifiers: Orphanet 140162, MedGen C0027672, MeSH D009386, MONDO:0015356.

Submission:

Ambry Genetics
Classification: Uncertain significance for Hereditary cancer-predisposing syndrome. Last evaluated: 2022-06-30. Review status: criteria provided, single submitter. Criteria: Ambry Variant Classification Scheme 2023. Collection method: clinical testing. Allele origin: germline.
Comment: The c.838_839insAlu variant results from the insertion of an Alu element between nucleotides 838 and 839 in coding exon 3 of the XRCC2 gene. Mobile element insertions contribute to pathogenicity by either disrupting the coding sequence or inducing aberrant splicing (Belancio VP et al. Semin. Cancer Biol. 2010 Aug;20:200-10; Deininger P et al. Genome Biol. 2011 Dec;12:236; van der Klift HM Hum Mutat. 2012 Jul;33(7):1051-5). However, this Alu insertion occurs at the 3' terminus of the XRCC2 gene, is not expected to trigger nonsense-mediated mRNA decay, and may preserve the native sequence; however, direct evidence is unavailable. The exact functional effect of this Alu insertion unknown. Since supporting evidence is limited at this time, the clinical significance of this alteration remains unclear.

NM_005431.1:c.838_839insALU

Gene: XRCC2 (X-ray repair cross complementing 2; minus strand).
Variant type: Insertion.
Identifiers: ClinVar variation 1763162 (VCV001763162.2).